The following is an entry in ClinVar:

NM_000051.4(ATM):c.8418+8A>G

Genes: C11orf65 (chromosome 11 open reading frame 65; minus strand), ATM (ATM serine/threonine kinase; plus strand). Cytogenetic location: 11q22.3.
Variant type: single nucleotide variant.
Coding change: c.8418+8A>G on transcript NM_000051.4 (MANE Select); 8 bases into the intron after coding-DNA position 8418, A replaced by G.
Molecular consequence: intron variant.
Genome position (GRCh38, 1-based): chr11:108,343,379, A>G. VCF-style: chr11-108343379-A-G. GRCh37 (hg19) VCF-style: chr11-108214106-A-G.
Other names: c.8418+8A>G (NM_001351834.2); c.641-34308T>C (NM_001330368.2); c.695-8087T>C (NM_001351110.2).
Identifiers: ClinVar variation 758603 (VCV000758603.11), dbSNP rs1591249687, ClinGen allele CA915948323.

ClinVar aggregate classification (germline): Likely benign. Review status: criteria provided, multiple submitters, no conflicts (2 of 4 stars). 2 submissions from 2 submitters: Likely benign (2). Last evaluated 2024-06-19.

Conditions:
Familial cancer of breast. Also called: Hereditary breast cancer; BREAST CANCER, FAMILIAL; hereditary breast carcinoma. Identifiers: Orphanet 227535, MedGen C0346153, MONDO:0016419, OMIM 114480. Disease mechanism: loss of function.
Ataxia-telangiectasia syndrome (AT). Also called: Ataxia-telangiectasia, complementation group D; AT, COMPLEMENTATION GROUP C; ATAXIA-TELANGIECTASIA, COMPLEMENTATION GROUP A; ATAXIA-TELANGIECTASIA, FRESNO VARIANT; Ataxia-telangiectasia; LOUIS-BAR SYNDROME. Identifiers: Orphanet 100, MedGen C0004135, MONDO:0008840, OMIM 208900.

Submissions (2):

Myriad Genetics, Inc.
Classification: Likely benign for Familial cancer of breast. Last evaluated: 2024-06-19. Review status: criteria provided, single submitter. Criteria: Myriad Autosomal Dominant, Autosomal Recessive and X-Linked Classification Criteria (2023). Collection method: clinical testing. Allele origin: unknown.
Comment: This variant is considered likely benign. This variant is intronic and is not expected to impact mRNA splicing.

Labcorp Genetics (formerly Invitae), Labcorp
Classification: Likely benign for Ataxia-telangiectasia syndrome. Last evaluated: 2022-04-29. Review status: criteria provided, single submitter. Criteria: Invitae Variant Classification Sherloc (09022015). Collection method: clinical testing. Allele origin: germline.